The following is an entry in ClinVar:

ClinVar aggregate classification (germline): Uncertain significance (1 of 4 stars; one submission).

Submission:

GeneDx
Classification: Uncertain significance. Last evaluated: 2026-03-28. Review status: criteria provided, single submitter. Criteria: GeneDx Variant Classification Process June 2021. Collection method: clinical testing. Allele origin: germline.
Comment: Not observed at significant frequency in large population cohorts (gnomAD); In silico analysis suggests that this missense variant does not alter protein structure/function; Has not been previously published as pathogenic or benign to our knowledge

NM_138792.4(LEO1):c.803A>G (p.Asp268Gly)

Gene: LEO1 (LEO1 component of Paf1/RNA polymerase II complex; minus strand). Cytogenetic location: 15q21.2.
Variant type: single nucleotide variant.
Coding change: c.803A>G on transcript NM_138792.4 (MANE Select); coding-DNA position 803, A replaced by G.
Protein change: p.Asp268Gly; replaces aspartic acid 268 with glycine.
Molecular consequence: missense variant.
Genome position (GRCh38, 1-based): chr15:51,965,760, T>C on the plus strand (A>G on the coding strand, the complement: LEO1 is on the minus strand). VCF-style: chr15-51965760-T-C. GRCh37 (hg19) VCF-style: chr15-52257957-T-C.
Other names: c.803A>G, p.Asp268Gly (NM_001286430.2, NM_001323903.2, NM_001323904.2 and 2 more transcripts); short protein forms D268G.
Identifiers: ClinVar variation 5017278 (VCV005017278.1).